The following is an entry in ClinVar:

NM_173689.7(CRB2):c.2602+4A>T

Gene: CRB2 (crumbs cell polarity complex component 2; plus strand). Cytogenetic location: 9q33.3.
Variant type: single nucleotide variant.
Coding change: c.2602+4A>T on transcript NM_173689.7 (MANE Select); 4 bases into the intron after coding-DNA position 2602, A replaced by T.
Molecular consequence: intron variant.
Genome position (GRCh38, 1-based): chr9:123,372,346, A>T. VCF-style: chr9-123372346-A-T. GRCh37 (hg19) VCF-style: chr9-126134625-A-T.
Identifiers: ClinVar variation 1802049 (VCV001802049.1), dbSNP rs372320700, ClinGen allele CA5232255.
Genomic context (GRCh38, chr9:123,372,346, plus strand): 5'-CCGGCCAGCCCTGTCTCCCACCTGCCACGTGTGAGGAGGTCCCTGATGGCTTTGTGTGTG[A>T]GTGTGTGTCCTGGGCAGCTCCCGTGCTGGGTGCTGGACACCTAAGCTGGTTAGATCCCAT-3'

ClinVar aggregate classification (germline): Uncertain significance (1 of 4 stars; one submission).

Allele frequency attached by ClinVar (database versions not stated): gnomAD exomes 0.00001; ExAC 0.00002; TOPMed 0.00002; gnomAD 0.00003; ESP Exome Variant Server 0.00008.
gnomAD v4.1: 19 of 1,588,706 alleles (0.0012%); highest among the groups gnomAD compares: East Asian, 0.0022%; no homozygotes.

Submission:

GeneDx
Classification: Uncertain significance. Last evaluated: 2022-05-31. Review status: criteria provided, single submitter. Criteria: GeneDx Variant Classification Process June 2021. Collection method: clinical testing. Allele origin: germline. Affected: yes.
Comment: In-silico analysis is inconclusive as to whether the variant alters gene splicing. In the absence of RNA/functional studies, the actual effect of this sequence change is unknown.; Has not been previously published as pathogenic or benign to our knowledge